The following is an entry in ClinVar:

NM_001793.6(CDH3):c.1183G>A (p.Gly395Ser)

Gene: CDH3 (cadherin 3; plus strand). Cytogenetic location: 16q22.1.
Variant type: single nucleotide variant.
Coding change: c.1183G>A on transcript NM_001793.6 (MANE Select); coding-DNA position 1183, G replaced by A.
Protein change: p.Gly395Ser; replaces glycine 395 with serine.
Molecular consequence: missense variant.
Genome position (GRCh38, 1-based): chr16:68,684,583, G>A. VCF-style: chr16-68684583-G-A. GRCh37 (hg19) VCF-style: chr16-68718486-G-A.
Other names: c.1183G>A, p.Gly395Ser (NM_001317195.3); c.1018G>A, p.Gly340Ser (NM_001317196.2); short protein forms G340S, G395S.
Identifiers: ClinVar variation 1943122 (VCV001943122.5), dbSNP rs757965198, ClinGen allele CA8129292.

ClinVar aggregate classification (germline): Uncertain significance (1 of 4 stars; one submission).

gnomAD v4.1: 8 of 1,614,092 alleles (0.0005%); highest among the groups gnomAD compares: Non-Finnish European, 0.00068%; no homozygotes.

Submission:

Labcorp Genetics (formerly Invitae), Labcorp
Classification: Uncertain significance. Last evaluated: 2022-01-16. Review status: criteria provided, single submitter. Criteria: Invitae Variant Classification Sherloc (09022015). Collection method: clinical testing. Allele origin: germline.
Comment: In summary, the available evidence is currently insufficient to determine the role of this variant in disease. Therefore, it has been classified as a Variant of Uncertain Significance. Algorithms developed to predict the effect of missense changes on protein structure and function are either unavailable or do not agree on the potential impact of this missense change (SIFT: "Not Available"; PolyPhen-2: "Benign"; Align-GVGD: "Not Available"). This variant has not been reported in the literature in individuals affected with CDH3-related conditions. This variant is present in population databases (rs757965198, gnomAD 0.002%). This sequence change replaces glycine, which is neutral and non-polar, with serine, which is neutral and polar, at codon 395 of the CDH3 protein (p.Gly395Ser).